The following is an entry in ClinVar:

NM_003837.4(FBP2):c.397A>G (p.Ile133Val)

Gene: FBP2 (fructose-bisphosphatase 2; minus strand). Cytogenetic location: 9q22.32.
Variant type: single nucleotide variant.
Coding change: c.397A>G on transcript NM_003837.4 (MANE Select); coding-DNA position 397, A replaced by G.
Protein change: p.Ile133Val; replaces isoleucine 133 with valine.
Molecular consequence: missense variant.
Genome position (GRCh38, 1-based): chr9:94,584,606, T>C on the plus strand (A>G on the coding strand, the complement: FBP2 is on the minus strand). VCF-style: chr9-94584606-T-C. GRCh37 (hg19) VCF-style: chr9-97346888-T-C.
Other names: short protein forms I133V.
Identifiers: ClinVar variation 2335438 (VCV002335438.4), dbSNP rs144384132, ClinGen allele CA5135885.

ClinVar aggregate classification (germline): Uncertain significance. Review status: criteria provided, multiple submitters, no conflicts (2 of 4 stars). 2 submissions from 2 submitters: Uncertain significance (2). Last evaluated 2025-11-28.

Allele frequency attached by ClinVar (database versions not stated): 1000 Genomes Project 0.00020; ESP Exome Variant Server 0.00054; TOPMed 0.00034; 1000 Genomes Project 30x 0.00016; ExAC 0.00008.
gnomAD v4.1: 97 of 1,613,510 alleles (0.006%); highest among the groups gnomAD compares: African/African-American, 0.1%; no homozygotes.

Submissions (2):

Dasa
Classification: Uncertain significance. Last evaluated: 2025-11-28. Review status: criteria provided, single submitter. Criteria: DASA Assertion Criteria. Collection method: clinical testing. Allele origin: germline.
Comment: NM_003837.4(FBP2):c.397A>G (p.Ile133Val) is a missense variant that results in the substitution of isoleucine with valine. This variant is rare in population databases. Computational prediction algorithms are consistent with a benign effect. The currently available literature and clinical evidence are not sufficient to establish a definitive association between this variant and the reported condition. Therefore, this variant is classified as a variant of uncertain significance.

Ambry Genetics
Classification: Uncertain significance. Last evaluated: 2021-08-12. Review status: criteria provided, single submitter. Criteria: Ambry Variant Classification Scheme 2023. Collection method: clinical testing. Allele origin: germline.